The following is an entry in ClinVar:

ClinVar aggregate classification (germline): Uncertain significance (1 of 4 stars; one submission).

gnomAD v4.1: 1 of 1,563,352 alleles (0.000064%); no homozygotes.

Submission:

Labcorp Genetics (formerly Invitae), Labcorp
Classification: Uncertain significance. Last evaluated: 2024-11-05. Review status: criteria provided, single submitter. Criteria: Invitae Variant Classification Sherloc (09022015). Collection method: clinical testing. Allele origin: germline.
Comment: This sequence change replaces cysteine, which is neutral and slightly polar, with arginine, which is basic and polar, at codon 3973 of the FAT4 protein (p.Cys3973Arg). This variant is not present in population databases (gnomAD no frequency). This variant has not been reported in the literature in individuals affected with FAT4-related conditions. Invitae Evidence Modeling of protein sequence and biophysical properties (such as structural, functional, and spatial information, amino acid conservation, physicochemical variation, residue mobility, and thermodynamic stability) indicates that this missense variant is expected to disrupt FAT4 protein function with a positive predictive value of 95%. In summary, the available evidence is currently insufficient to determine the role of this variant in disease. Therefore, it has been classified as a Variant of Uncertain Significance.

NM_001291303.3(FAT4):c.11923T>C (p.Cys3975Arg)

Gene: FAT4 (FAT atypical cadherin 4; plus strand). Cytogenetic location: 4q28.1.
Variant type: single nucleotide variant.
Coding change: c.11923T>C on transcript NM_001291303.3 (MANE Select); coding-DNA position 11923, T replaced by C.
Protein change: p.Cys3975Arg; replaces cysteine 3975 with arginine.
Molecular consequence: missense variant.
Genome position (GRCh38, 1-based): chr4:125,468,529, T>C. VCF-style: chr4-125468529-T-C. GRCh37 (hg19) VCF-style: chr4-126389684-T-C.
Other names: c.11923T>C, p.Cys3975Arg (NM_001291285.3); c.11917T>C, p.Cys3973Arg (NM_024582.6); short protein forms C3973R, C3975R.
Identifiers: ClinVar variation 3637028 (VCV003637028.2).